The following is an entry in ClinVar:

ClinVar aggregate classification (germline): Uncertain significance (1 of 4 stars; one submission).

Submission:

GeneDx
Classification: Uncertain significance. Last evaluated: 2024-09-06. Review status: criteria provided, single submitter. Criteria: GeneDx Variant Classification Process June 2021. Collection method: clinical testing. Allele origin: germline. Affected: yes.
Comment: Not observed at significant frequency in large population cohorts (gnomAD); In silico analysis supports that this missense variant has a deleterious effect on protein structure/function; Has not been previously published as pathogenic or benign to our knowledge

NM_170606.3(KMT2C):c.5126T>C (p.Val1709Ala)

Gene: KMT2C (lysine methyltransferase 2C; minus strand). Cytogenetic location: 7q36.1.
Variant type: single nucleotide variant.
Coding change: c.5126T>C on transcript NM_170606.3 (MANE Select); coding-DNA position 5126, T replaced by C.
Protein change: p.Val1709Ala; replaces valine 1709 with alanine.
Molecular consequence: missense variant.
Genome position (GRCh38, 1-based): chr7:152,183,113, A>G on the plus strand (T>C on the coding strand, the complement: KMT2C is on the minus strand). VCF-style: chr7-152183113-A-G. GRCh37 (hg19) VCF-style: chr7-151880198-A-G.
Other names: short protein forms V1709A.
Identifiers: ClinVar variation 3767655 (VCV003767655.1).